The following is an entry in ClinVar:

NM_006059.4(LAMC3):c.2354G>A (p.Arg785His)

Gene: LAMC3 (laminin subunit gamma 3; plus strand). Cytogenetic location: 9q34.12.
Variant type: single nucleotide variant.
Coding change: c.2354G>A on transcript NM_006059.4 (MANE Select); coding-DNA position 2354, G replaced by A.
Protein change: p.Arg785His; replaces arginine 785 with histidine.
Molecular consequence: missense variant.
Genome position (GRCh38, 1-based): chr9:131,066,966, G>A. VCF-style: chr9-131066966-G-A. GRCh37 (hg19) VCF-style: chr9-133942353-G-A.
Other names: c.2354G>A (NM_006059.3); short protein forms R785H.
Identifiers: ClinVar variation 2156753 (VCV002156753.2), dbSNP rs752693131, ClinGen allele CA5287421.

ClinVar aggregate classification (germline): Uncertain significance. Review status: criteria provided, multiple submitters, no conflicts (2 of 4 stars). 2 submissions from 2 submitters: Uncertain significance (2). Last evaluated 2022-07-21.

Conditions:
Inborn genetic diseases. Identifiers: MedGen C0950123, MeSH D030342.

Allele frequency attached by ClinVar (database versions not stated): gnomAD 0.00001; gnomAD exomes 0.00004; ExAC 0.00005; TOPMed 0.00005.
gnomAD v4.1: 61 of 1,613,694 alleles (0.0038%); highest among the groups gnomAD compares: East Asian, 0.049%; no homozygotes.

Submissions (2):

Labcorp Genetics (formerly Invitae), Labcorp
Classification: Uncertain significance. Last evaluated: 2022-07-21. Review status: criteria provided, single submitter. Criteria: Invitae Variant Classification Sherloc (09022015). Collection method: clinical testing. Allele origin: germline.
Comment: This sequence change replaces arginine, which is basic and polar, with histidine, which is basic and polar, at codon 785 of the LAMC3 protein (p.Arg785His). This variant is present in population databases (rs752693131, gnomAD 0.02%). This variant has not been reported in the literature in individuals affected with LAMC3-related conditions. Algorithms developed to predict the effect of missense changes on protein structure and function are either unavailable or do not agree on the potential impact of this missense change (SIFT: "Deleterious"; PolyPhen-2: "Probably Damaging"; Align-GVGD: "Class C0"). In summary, the available evidence is currently insufficient to determine the role of this variant in disease. Therefore, it has been classified as a Variant of Uncertain Significance.

Ambry Genetics
Classification: Uncertain significance for Inborn genetic diseases. Last evaluated: 2021-07-15. Review status: criteria provided, single submitter. Criteria: Ambry Variant Classification Scheme 2023. Collection method: clinical testing. Allele origin: germline.